The following is an entry in ClinVar:

ClinVar aggregate classification (germline): Uncertain significance. Review status: criteria provided, multiple submitters, no conflicts (2 of 4 stars). 2 submissions from 2 submitters: Uncertain significance (2). Last evaluated 2025-11-25.

Conditions:
Cardiovascular phenotype. Identifiers: MedGen CN230736.
Congenital primary aphakia. Also called: ANTERIOR SEGMENT DYSGENESIS 2; Anterior segment dysgenesis 2, multiple subtypes. Identifiers: Orphanet 83461, MedGen C1853230, MONDO:0012456, OMIM 610256.
Anterior segment dysgenesis. Also called: Ocular anterior segment dysgenesis. Identifiers: Orphanet 88632, MedGen C1862839, MONDO:0019503, HP:0007700.

Allele frequency attached by ClinVar (database versions not stated): gnomAD exomes 0.00001; TOPMed 0.00002.

Submissions (2):

Ambry Genetics
Classification: Uncertain significance for Cardiovascular phenotype. Last evaluated: 2025-11-25. Review status: criteria provided, single submitter. Criteria: Ambry Variant Classification Scheme 2023. Collection method: clinical testing. Allele origin: germline.
Comment: The p.P57R variant (also known as c.170C>G), located in coding exon 1 of the FOXE3 gene, results from a C to G substitution at nucleotide position 170. The proline at codon 57 is replaced by arginine, an amino acid with dissimilar properties. This amino acid position is well conserved in available vertebrate species. In addition, this alteration is predicted to be tolerated by in silico analysis. Based on the available evidence, the clinical significance of this variant remains unclear.

Labcorp Genetics (formerly Invitae), Labcorp
Classification: Uncertain significance for Anterior segment dysgenesis; Congenital primary aphakia. Last evaluated: 2023-10-05. Review status: criteria provided, single submitter. Criteria: Invitae Variant Classification Sherloc (09022015). Collection method: clinical testing. Allele origin: germline.
Comment: This sequence change replaces proline, which is neutral and non-polar, with arginine, which is basic and polar, at codon 57 of the FOXE3 protein (p.Pro57Arg). The frequency data for this variant in the population databases is considered unreliable, as metrics indicate insufficient coverage at this position in the gnomAD database. This variant has not been reported in the literature in individuals affected with FOXE3-related conditions. ClinVar contains an entry for this variant (Variation ID: 2535689). Advanced modeling of protein sequence and biophysical properties (such as structural, functional, and spatial information, amino acid conservation, physicochemical variation, residue mobility, and thermodynamic stability) performed at Invitae indicates that this missense variant is not expected to disrupt FOXE3 protein function. In summary, the available evidence is currently insufficient to determine the role of this variant in disease. Therefore, it has been classified as a Variant of Uncertain Significance.

NM_012186.3(FOXE3):c.170C>G (p.Pro57Arg)

Genes: FOXE3 (forkhead box E3; plus strand), LINC01389 (long independently transcribed non-coding RNA 1389; minus strand). Cytogenetic location: 1p33.
Variant type: single nucleotide variant.
Coding change: c.170C>G on transcript NM_012186.3 (MANE Select); coding-DNA position 170, C replaced by G.
Protein change: p.Pro57Arg; replaces proline 57 with arginine.
Molecular consequence: missense variant.
Genome position (GRCh38, 1-based): chr1:47,416,485, C>G. VCF-style: chr1-47416485-C-G. GRCh37 (hg19) VCF-style: chr1-47882157-C-G.
Other names: short protein forms P57R.
Identifiers: ClinVar variation 2535689 (VCV002535689.5), dbSNP rs1363916572, ClinGen allele CA340249173.